The following is an entry in ClinVar:

ClinVar aggregate classification (germline): Uncertain significance (1 of 4 stars; one submission).

Submission:

Labcorp Genetics (formerly Invitae), Labcorp
Classification: Uncertain significance. Last evaluated: 2023-06-02. Review status: criteria provided, single submitter. Criteria: Invitae Variant Classification Sherloc (09022015). Collection method: clinical testing. Allele origin: germline.
Comment: In summary, the available evidence is currently insufficient to determine the role of this variant in disease. Therefore, it has been classified as a Variant of Uncertain Significance. Advanced modeling of protein sequence and biophysical properties (such as structural, functional, and spatial information, amino acid conservation, physicochemical variation, residue mobility, and thermodynamic stability) performed at Invitae indicates that this missense variant is not expected to disrupt SETBP1 protein function. This variant has not been reported in the literature in individuals affected with SETBP1-related conditions. This variant is not present in population databases (gnomAD no frequency). This sequence change replaces histidine, which is basic and polar, with tyrosine, which is neutral and polar, at codon 192 of the SETBP1 protein (p.His192Tyr).

NM_015559.3(SETBP1):c.574C>T (p.His192Tyr)

Gene: SETBP1 (SET binding protein 1; plus strand). Cytogenetic location: 18q12.3.
Variant type: single nucleotide variant.
Coding change: c.574C>T on transcript NM_015559.3 (MANE Select); coding-DNA position 574, C replaced by T.
Protein change: p.His192Tyr; replaces histidine 192 with tyrosine.
Molecular consequence: missense variant.
Genome position (GRCh38, 1-based): chr18:44,949,914, C>T. VCF-style: chr18-44949914-C-T. GRCh37 (hg19) VCF-style: chr18-42529879-C-T.
Other names: c.574C>T, p.His192Tyr (NM_001379141.1, NM_001379142.1, NM_001410862.1); short protein forms H192Y.
Identifiers: ClinVar variation 2866174 (VCV002866174.3), dbSNP rs949399792, ClinGen allele CA299696042.